The following is an entry in ClinVar:

ClinVar aggregate classification (germline): Uncertain significance (1 of 4 stars; one submission).

Conditions:
Nephronophthisis. Also called: Juvenile Nephronophthisis. Identifiers: Orphanet 655, MedGen C0687120, MONDO:0019005, HP:0000090.

Submission:

Labcorp Genetics (formerly Invitae), Labcorp
Classification: Uncertain significance for Nephronophthisis. Last evaluated: 2020-08-14. Review status: criteria provided, single submitter. Criteria: Invitae Variant Classification Sherloc (09022015). Collection method: clinical testing. Allele origin: germline.
Comment: In summary, the available evidence is currently insufficient to determine the role of this variant in disease. Therefore, it has been classified as a Variant of Uncertain Significance. Experimental studies and prediction algorithms are not available or were not evaluated, and the effect of this variant on mRNA splicing is currently unknown. Algorithms developed to predict the effect of missense changes on protein structure and function are either unavailable or do not agree on the potential impact of this missense change (SIFT: "Not Available"; PolyPhen-2: "Benign"; Align-GVGD: "Not Available"). This variant has not been reported in the literature in individuals with NPHP3-related conditions. The frequency data for this variant in the population databases is not available, as this variant may be reported as separate entries in the ExAC database. This sequence change replaces leucine with serine at codon 460 of the NPHP3 protein (p.Leu460Ser). The leucine residue is weakly conserved and there is a large physicochemical difference between leucine and serine.

NM_153240.5(NPHP3):c.1379_1380delinsCC (p.Leu460Ser)

Genes: NPHP3 (nephrocystin 3; minus strand), NPHP3-ACAD11 (NPHP3-ACAD11 readthrough (NMD candidate); minus strand). Cytogenetic location: 3q22.1.
Variant type: Indel.
Coding change: c.1379_1380delinsCC on transcript NM_153240.5 (MANE Select); coding-DNA positions 1379 to 1380, TG replaced by CC.
Protein change: p.Leu460Ser; replaces leucine 460 with serine.
Molecular consequence: missense variant. On other transcripts: non-coding transcript variant (1).
Genome position (GRCh38, 1-based): chr3:132,704,342-132,704,343, CA replaced by GG on the plus strand (TG replaced by CC on the coding strand, the reverse complement: NPHP3 is on the minus strand). VCF-style: chr3-132704342-CA-GG. GRCh37 (hg19) VCF-style: chr3-132423186-CA-GG.
Other names: short protein forms L460S.
Identifiers: ClinVar variation 1006659 (VCV001006659.7), dbSNP rs1939692144, ClinGen allele CA1402641088.